The following is an entry in ClinVar:

NM_001128840.3(CACNA1D):c.2003G>T (p.Gly668Val)

Gene: CACNA1D (calcium voltage-gated channel subunit alpha1 D; plus strand). Cytogenetic location: 3p21.1.
Variant type: single nucleotide variant.
Coding change: c.2003G>T on transcript NM_001128840.3 (MANE Select); coding-DNA position 2003, G replaced by T.
Protein change: p.Gly668Val; replaces glycine 668 with valine.
Molecular consequence: missense variant.
Genome position (GRCh38, 1-based): chr3:53,723,902, G>T. VCF-style: chr3-53723902-G-T. GRCh37 (hg19) VCF-style: chr3-53757929-G-T.
Other names: c.2063G>T, p.Gly688Val (NM_000720.4); c.2003G>T, p.Gly668Val (NM_001128839.3); short protein forms G688V, G668V.
Identifiers: ClinVar variation 546466 (VCV000546466.3), dbSNP rs1553647749, ClinGen allele CA353238092.

ClinVar aggregate classification (germline): Uncertain significance (1 of 4 stars; one submission).

Allele frequency attached by ClinVar (database versions not stated): gnomAD exomes below 0.00001.
gnomAD v4.1: 1 of 1,614,114 alleles (0.000062%); highest among the groups gnomAD compares: Non-Finnish European, 0.000085%; no homozygotes.

Submission:

GeneDx
Classification: Uncertain significance. Last evaluated: 2023-05-03. Review status: criteria provided, single submitter. Criteria: GeneDx Variant Classification Process June 2021. Collection method: clinical testing. Allele origin: germline. Affected: yes.
Comment: Not observed at significant frequency in large population cohorts (gnomAD); In silico analysis supports that this missense variant has a deleterious effect on protein structure/function; In silico analysis suggests this variant may impact gene splicing. In the absence of RNA/functional studies, the actual effect of this sequence change is unknown.; Has not been previously published as pathogenic or benign to our knowledge